The following is an entry in ClinVar:

ClinVar aggregate classification (germline): Pathogenic (1 of 4 stars; one submission).

Conditions:
Alport syndrome. Also called: Hemorrhagic familial nephritis; Hemorrhagic hereditary nephritis; Congenital hereditary hematuria. Identifiers: Orphanet 63, MedGen C1567741, MONDO:0018965.

Submission:

Myriad Genetics, Inc.
Classification: Pathogenic for Alport syndrome. Last evaluated: 2026-08-29. Review status: criteria provided, single submitter. Criteria: Myriad Autosomal Dominant, Autosomal Recessive and X-Linked Classification Criteria (2023). Collection method: clinical testing. Allele origin: unknown.
Comment: NM_000091.4(COL4A3):c.953delG(G318Vfs*5) is expected to be pathogenic in the context of Alport syndrome, COL4A3-related. This variant is predicted to lead to an abnormal or absent protein product due to the creation of a premature termination codon in COL4A3, a gene where loss-of-function variants are known to be pathogenic. Please note: this variant was assessed in the context of healthy population screening.

NM_000091.5(COL4A3):c.953del (p.Gly318fs)

Genes: COL4A3 (collagen type IV alpha 3 chain; plus strand), MFF-DT (MFF divergent transcript; minus strand). Cytogenetic location: 2q36.3.
Variant type: Deletion.
Coding change: c.953del on transcript NM_000091.5 (MANE Select); coding-DNA position 953, one base deleted (G; older notation c.953delG).
Protein change: p.Gly318fs; shifts the reading frame from glycine 318.
Molecular consequence: frameshift variant.
Genome position (GRCh38, 1-based): chr2:227,256,362, G deleted; the last of 4 consecutive G bases (chr2:227,256,359-227,256,362); deleting any one gives the same sequence. VCF-style (leftmost placement, unchanged base first): chr2-227256358-AG-A. GRCh37 (hg19) VCF-style: chr2-228121074-AG-A.
Other names: short protein forms G318fs.
Identifiers: ClinVar variation 5016296 (VCV005016296.1).